The following is an entry in ClinVar:

ClinVar aggregate classification (germline): Uncertain significance (1 of 4 stars; one submission).

Conditions:
Charcot-Marie-Tooth disease type 4. Also called: Charcot-Marie-Tooth, Type 4; Charcot-Marie-Tooth disease, type IV. Identifiers: Orphanet 64749, MedGen C4082197, MONDO:0018995.

gnomAD v4.1: 1 of 1,614,100 alleles (0.000062%); no homozygotes.

Submission:

Labcorp Genetics (formerly Invitae), Labcorp
Classification: Uncertain significance for Charcot-Marie-Tooth disease type 4. Last evaluated: 2024-08-23. Review status: criteria provided, single submitter. Criteria: Invitae Variant Classification Sherloc (09022015). Collection method: clinical testing. Allele origin: germline.
Comment: This sequence change replaces serine, which is neutral and polar, with proline, which is neutral and non-polar, at codon 1575 of the SBF2 protein (p.Ser1575Pro). This variant is not present in population databases (gnomAD no frequency). This variant has not been reported in the literature in individuals affected with SBF2-related conditions. Invitae Evidence Modeling of protein sequence and biophysical properties (such as structural, functional, and spatial information, amino acid conservation, physicochemical variation, residue mobility, and thermodynamic stability) indicates that this missense variant is not expected to disrupt SBF2 protein function with a negative predictive value of 80%. In summary, the available evidence is currently insufficient to determine the role of this variant in disease. Therefore, it has been classified as a Variant of Uncertain Significance.

NM_030962.4(SBF2):c.4723T>C (p.Ser1575Pro)

Genes: SBF2 (SET binding factor 2; minus strand), SBF2-AS1 (SBF2 antisense RNA 1; plus strand), LOC105369149 (uncharacterized LOC105369149; plus strand). Cytogenetic location: 11p15.4.
Variant type: single nucleotide variant.
Coding change: c.4723T>C on transcript NM_030962.4 (MANE Select); coding-DNA position 4723, T replaced by C.
Protein change: p.Ser1575Pro; replaces serine 1575 with proline.
Molecular consequence: missense variant.
Genome position (GRCh38, 1-based): chr11:9,789,318, A>G on the plus strand (T>C on the coding strand, the complement: SBF2 is on the minus strand). VCF-style: chr11-9789318-A-G. GRCh37 (hg19) VCF-style: chr11-9810865-A-G.
Other names: c.4819T>C, p.Ser1607Pro (NM_001386339.1); c.4594T>C, p.Ser1532Pro (NM_001386342.1); c.4759T>C, p.Ser1587Pro (NM_001424318.1, NM_001425070.1); c.4618T>C, p.Ser1540Pro (NM_001425069.1); short protein forms S1532P, S1607P, S1540P, S1575P, S1587P.
Identifiers: ClinVar variation 3707777 (VCV003707777.2).